The following is an entry in ClinVar:

ClinVar aggregate classification (germline): Likely pathogenic. Review status: criteria provided, single submitter (1 of 4 stars). 2 submissions from 2 submitters: Likely pathogenic (1). 1 of the submissions does not count toward it. Last evaluated 2025-10-31.

Conditions:
Joubert syndrome 7 (JBTS7). Identifiers: Orphanet 220497, MedGen C1969053, MONDO:0012694, OMIM 611560.
Joubert syndrome. Also called: CEREBELLOPARENCHYMAL DISORDER IV; JOUBERT-BOLTSHAUSER SYNDROME; Familial aplasia of the vermis. Identifiers: Orphanet 475, MedGen C5979921, MONDO:0018772.

Submissions (2):

Natera, Inc.
Classification: Likely pathogenic for Joubert syndrome. Last evaluated: 2025-10-31. Review status: criteria provided, single submitter. Criteria: Natera Variant Classification Schema (03/2026). Collection method: clinical testing. Allele origin: germline.
Comment: The c.2083G>C variant in RPGRIP1L is a missense variant predicted to cause substitution of alanine to proline at amino acid 695. This variant is rare in the general population with a frequency below the threshold expected for the associated phenotype(s). This variant has been observed in one or more individuals affected with the associated recessive disease, as either homozygous or compound heterozygous with a second variant (PMID: 37230223, 19165332, 17558409). Additionally, this variant has been observed to segregate in affected family members (PMID: 37230223, 19165332, 17558409). Computational prediction algorithms indicate this variant is likely to affect gene or protein function. Given the available evidence, this variant is classified as Likely Pathogenic.

OMIM
Classification: Pathogenic for JOUBERT SYNDROME 7. Last evaluated: 2007-07-01. Review status: no assertion criteria provided. Collection method: literature only. Allele origin: germline. Not counted in ClinVar's aggregate classification.

Literature cited by the submitters: PubMed 37230223 (cited by Natera, Inc.); PubMed 19165332 (cited by Natera, Inc.); PubMed 17558409 (cited by Natera, Inc. and OMIM).

NM_015272.5(RPGRIP1L):c.2083G>C (p.Ala695Pro)

Gene: RPGRIP1L (RPGRIP1 like; minus strand). Cytogenetic location: 16q12.2.
Variant type: single nucleotide variant.
Coding change: c.2083G>C on transcript NM_015272.5 (MANE Select); coding-DNA position 2083, G replaced by C.
Protein change: p.Ala695Pro; replaces alanine 695 with proline.
Molecular consequence: missense variant.
Genome position (GRCh38, 1-based): chr16:53,652,604, C>G on the plus strand (G>C on the coding strand, the complement: RPGRIP1L is on the minus strand). VCF-style: chr16-53652604-C-G. GRCh37 (hg19) VCF-style: chr16-53686516-C-G.
Other names: c.2083G>C, p.Ala695Pro (NM_001127897.4, NM_001308334.3, NM_001330538.2); c.2083G>C (NM_015272.4); short protein forms A695P.
Identifiers: ClinVar variation 1071 (VCV000001071.4), dbSNP rs121918200, ClinGen allele CA251694.